The following is an entry in ClinVar:

NM_201253.3(CRB1):c.3653G>A (p.Cys1218Tyr)

Gene: CRB1 (crumbs cell polarity complex component 1; plus strand). Cytogenetic location: 1q31.3.
Variant type: single nucleotide variant.
Coding change: c.3653G>A on transcript NM_201253.3 (MANE Select); coding-DNA position 3653, G replaced by A.
Protein change: p.Cys1218Tyr; replaces cysteine 1218 with tyrosine.
Molecular consequence: missense variant. On other transcripts: non-coding transcript variant (2), intron variant (1).
Genome position (GRCh38, 1-based): chr1:197,435,516, G>A. VCF-style: chr1-197435516-G-A. GRCh37 (hg19) VCF-style: chr1-197404646-G-A.
Other names: c.3317G>A, p.Cys1106Tyr (NM_001193640.2); c.3581G>A, p.Cys1194Tyr (NM_001257965.2); c.2129-84G>A (NM_001257966.2); c.3653G>A (NM_201253.2); short protein forms C1106Y, C1194Y, C1218Y.
Identifiers: ClinVar variation 801601 (VCV000801601.46), dbSNP rs1450635782, ClinGen allele CA344050247.

ClinVar aggregate classification (germline): Pathogenic/Likely pathogenic. Review status: criteria provided, multiple submitters, no conflicts (2 of 4 stars). 5 submissions from 5 submitters: Pathogenic (1); Likely pathogenic (4). Last evaluated 2025-07-10.

Conditions:
Retinal dystrophy. Also called: Inherited retinal dystrophy. Identifiers: Orphanet 71862, MedGen C0854723, MeSH D058499, MONDO:0019118, HP:0000556.
Retinitis pigmentosa 12 (RP12). Also called: RP WITH OR WITHOUT PPRPE; RP WITH OR WITHOUT PRESERVED PARAARTERIOLE RETINAL PIGMENT EPITHELIUM; RETINITIS PIGMENTOSA WITH OR WITHOUT PARAARTERIOLAR PRESERVATION OF RETINAL PIGMENT EPITHELIUM. Identifiers: Orphanet 791, MedGen C1838647, MONDO:0010818, OMIM 600105.
Leber congenital amaurosis 8 (LCA8). Identifiers: Orphanet 65, MedGen C3151202, MONDO:0013453, OMIM 613835.
Leber congenital amaurosis 1 (LCA1). Also called: RETINAL BLINDNESS, CONGENITAL; Congenital absence of the rods and cones; Leber's congenital tapetoretinal degeneration; Leber's congenital tapetoretinal dysplasia; AMAUROSIS CONGENITA OF LEBER I. Identifiers: Orphanet 65, MedGen C2931258, MONDO:0008764, OMIM 204000.

Allele frequency attached by ClinVar (database versions not stated): TOPMed below 0.00001.

Submissions (5):

Women's Health and Genetics/Laboratory Corporation of America, LabCorp
Classification: Likely pathogenic for Retinal dystrophy. Last evaluated: 2025-07-10. Review status: criteria provided, single submitter. Criteria: LabCorp Variant Classification Summary - May 2015. Collection method: clinical testing. Allele origin: germline.
Comment: Variant summary: CRB1 c.3653G>A (p.Cys1218Tyr) results in a non-conservative amino acid change located in the EGF-like domain (IPR000742) of the encoded protein sequence. Algorithms developed to predict the effect of missense changes on protein structure and function all suggest that this variant is likely to be disruptive. The variant was absent in 249062 control chromosomes. c.3653G>A has been observed in individual(s) affected with CRB1-related conditions (Internal data). These data indicate that the variant may be associated with disease. Other variant(s) that disrupt this residue have been determined to be pathogenic ( Variation ID: 866855). ClinVar contains an entry for this variant (Variation ID: 801601). Based on the evidence outlined above, the variant was classified as likely pathogenic.

Labcorp Genetics (formerly Invitae), Labcorp
Classification: Pathogenic for Leber congenital amaurosis 8; Retinitis pigmentosa 12. Last evaluated: 2023-12-02. Review status: criteria provided, single submitter. Criteria: Invitae Variant Classification Sherloc (09022015). Collection method: clinical testing. Allele origin: germline.
Comment: This sequence change replaces cysteine, which is neutral and slightly polar, with tyrosine, which is neutral and polar, at codon 1218 of the CRB1 protein (p.Cys1218Tyr). This variant is not present in population databases (gnomAD no frequency). This missense change has been observed in individuals with CRB1-related conditions (Invitae). ClinVar contains an entry for this variant (Variation ID: 801601). Advanced modeling of protein sequence and biophysical properties (such as structural, functional, and spatial information, amino acid conservation, physicochemical variation, residue mobility, and thermodynamic stability) performed at Invitae indicates that this missense variant is expected to disrupt CRB1 protein function with a positive predictive value of 95%. This variant disrupts the p.Cys1218 amino acid residue in CRB1. Other variant(s) that disrupt this residue have been determined to be pathogenic (PMID: 12700176; Invitae). This suggests that this residue is clinically significant, and that variants that disrupt this residue are likely to be disease-causing. For these reasons, this variant has been classified as Pathogenic.

CeGaT Center for Human Genetics Tuebingen
Classification: Likely pathogenic. Last evaluated: 2022-08-01. Review status: criteria provided, single submitter. Criteria: CeGaT Center For Human Genetics Tuebingen Variant Classification Criteria Version 2. Collection method: clinical testing. Allele origin: germline. Affected: yes. Observed: 2 variant alleles.
Comment: CRB1: PM2, PM3, PM5

Dasa
Classification: Likely pathogenic for Retinitis pigmentosa 12. Last evaluated: 2022-02-05. Review status: criteria provided, single submitter. Criteria: ACMG Guidelines, 2015. Collection method: clinical testing. Allele origin: germline. Affected: yes. Observed: 1 variant allele.
Comment: The c.3653G>A;p.(Cys1218Tyr) missense variant has been observed in affected individual(s) and ClinVar contains an entry for this variant (Clinvar ID: 801601) - PS4_supporting. This variant is not present in population databases (rs1450635782; gnomAD; ABraOM no frequency) - PM2. Pathogenic missense variant in this residue have been reported (Clinvar ID: 866855 - c.3653G>T;p.Cys1218Phe; PMID: 15459956; 12700176) - PM5. Multiple lines of computational evidence support a deleterious effect on the gene or gene product - PP3. In summary, the currently available evidence indicates that the variant is likely pathogenic.

Mendelics
Classification: Likely pathogenic for Leber congenital amaurosis 1. Last evaluated: 2019-05-28. Review status: criteria provided, single submitter. Criteria: Mendelics Assertion Criteria 2017. Collection method: clinical testing. Allele origin: unknown.

Literature cited by the submitters: PubMed 12700176 (cited by Labcorp Genetics (formerly Invitae), Labcorp and Dasa); PubMed 15459956 (cited by Dasa).